The following is an entry in ClinVar:

NM_001267550.2(TTN):c.31135G>A (p.Glu10379Lys)

Gene: TTN (titin; minus strand). Cytogenetic location: 2q31.2.
Variant type: single nucleotide variant.
Coding change: c.31135G>A on transcript NM_001267550.2 (MANE Select); coding-DNA position 31135, G replaced by A.
Protein change: p.Glu10379Lys; replaces glutamic acid 10379 with lysine.
Molecular consequence: missense variant. On other transcripts: intron variant (3).
Genome position (GRCh38, 1-based): chr2:178,695,937, C>T on the plus strand (G>A on the coding strand, the complement: TTN is on the minus strand). VCF-style: chr2-178695937-C-T. GRCh37 (hg19) VCF-style: chr2-179560664-C-T.
Other names: c.30184G>A, p.Glu10062Lys (NM_001256850.1); c.27403G>A, p.Glu9135Lys (NM_133378.4); c.13282+42145G>A (NM_003319.4); c.13858+42145G>A (NM_133437.4); c.13657+42145G>A (NM_133432.3); short protein forms E10062K, E10379K, E9135K.
Identifiers: ClinVar variation 2690373 (VCV002690373.3), dbSNP rs372123965, ClinGen allele CA60992212.

ClinVar aggregate classification (germline): Uncertain significance. Review status: criteria provided, multiple submitters, no conflicts (2 of 4 stars). 2 submissions from 2 submitters: Uncertain significance (2). Last evaluated 2026-03-06.

Conditions:
TTN-related disorder. Also called: TTN-related disorders; TTN-related condition; TTN-related disease.

Allele frequency attached by ClinVar (database versions not stated): gnomAD 0.00003; TOPMed 0.00003; gnomAD exomes 0.00005; ESP Exome Variant Server 0.00012.
gnomAD v4.1: 79 of 1,503,992 alleles (0.0053%); highest among the groups gnomAD compares: East Asian, 0.069%; no homozygotes.

Submissions (2):

PreventionGenetics, part of Exact Sciences
Classification: Uncertain significance for TTN-related condition. Last evaluated: 2026-03-06. Review status: criteria provided, single submitter. Criteria: ACMG Guidelines, 2015. Collection method: clinical testing. Allele origin: germline.
Comment: The TTN c.31135G>A variant is predicted to result in the amino acid substitution p.Glu10379Lys. To our knowledge, this variant has not been reported in the literature. This variant is reported in 0.018% of alleles in individuals of Latino descent in gnomAD. At this time, the clinical significance of this variant is uncertain due to the absence of conclusive functional and genetic evidence.

Revvity Omics, Revvity
Classification: Uncertain significance. Last evaluated: 2023-02-03. Review status: criteria provided, single submitter. Criteria: ACMG Guidelines, 2015. Collection method: clinical testing. Allele origin: germline.